The following is an entry in ClinVar:

ClinVar aggregate classification (germline): Likely benign. Review status: criteria provided, multiple submitters, no conflicts (2 of 4 stars). 7 submissions from 7 submitters: Likely benign (5). 2 of the submissions do not count toward it. Last evaluated 2025-10-08.

Conditions:
PKD1-related disorder. Also called: PKD1-related condition.
Polycystic kidney disease. Also called: Kidney, Polycystic; Polycystic kidney dysplasia. Identifiers: MedGen C0022680, MeSH D007690, MONDO:0020642, HP:0000113.
Polycystic kidney disease, adult type (PKD1). Also called: Polycystic Kidney, Autosomal Dominant; POLYCYSTIC KIDNEY DISEASE, ADULT, TYPE I; Polycystic Kidney Disease 1, Autosomal Dominant; Polycystic kidney disease 1; Polycystic kidney disease 1, severe; POLYCYSTIC KIDNEY DISEASE 1 WITH OR WITHOUT POLYCYSTIC LIVER DISEASE. Identifiers: MedGen C3149841, MONDO:0008263, OMIM 173900.

Allele frequency attached by ClinVar (database versions not stated): 1000 Genomes Project 30x 0.00016; ESP Exome Variant Server 0.00016; gnomAD exomes 0.00018 and 0.00035; 1000 Genomes Project 0.00020; gnomAD 0.00023 and 0.00025; ExAC 0.00036; TOPMed 0.00039.
gnomAD v4.1: 323 of 1,604,872 alleles (0.02%); highest among the groups gnomAD compares: Middle Eastern, 0.36%; 1 homozygote.

Submissions (7):

Women's Health and Genetics/Laboratory Corporation of America, LabCorp
Classification: Likely benign. Last evaluated: 2025-10-08. Review status: criteria provided, single submitter. Criteria: LabCorp Variant Classification Summary - May 2015. Collection method: clinical testing. Allele origin: germline.

CeGaT Center for Human Genetics Tuebingen
Classification: Likely benign. Last evaluated: 2025-02-01. Review status: criteria provided, single submitter. Criteria: CeGaT Center For Human Genetics Tuebingen Variant Classification Criteria Version 2. Collection method: clinical testing. Allele origin: germline. Affected: yes. Observed: 1 variant allele.
Comment: PKD1: BP4, BP7

Blueprint Genetics
Classification: Likely benign. Last evaluated: 2024-11-11. Review status: criteria provided, single submitter. Criteria: ACMG Guidelines, 2015. Collection method: clinical testing. Allele origin: germline.

Fulgent Genetics
Classification: Likely benign for Polycystic kidney disease, adult type. Last evaluated: 2021-11-29. Review status: criteria provided, single submitter. Criteria: ACMG Guidelines, 2015. Collection method: clinical testing. Allele origin: unknown.

Breakthrough Genomics
Classification: Likely benign. Review status: criteria provided, single submitter. Criteria: ACMG Guidelines, 2015. Collection method: not provided. Allele origin: germline. Inheritance: Autosomal dominant inheritance. Affected: yes.

PreventionGenetics, part of Exact Sciences
Classification: Likely benign for PKD1-related condition. Last evaluated: 2019-05-30. Review status: no assertion criteria provided. Collection method: clinical testing. Allele origin: germline. Not counted in ClinVar's aggregate classification.
Comment: This variant is classified as likely benign based on ACMG/AMP sequence variant interpretation guidelines (Richards et al. 2015 PMID: 25741868, with internal and published modifications).

Department of Pathology and Laboratory Medicine, Sinai Health System
Classification: Likely benign for Polycystic Kidney disease. Review status: no assertion criteria provided. Collection method: clinical testing. Allele origin: unknown. Affected: yes. Study: The Canadian Open Genetics Repository (COGR). Not counted in ClinVar's aggregate classification.
Comment: The PKD1 p.Ser2850= variant was not identified in the literature nor was it identified in the ClinVar, COGR, LOVD 3.0, or the PKD1-LOVD database. The variant was identified in dbSNP (ID: rs145648167) and in the ADPKD Mutation Database (classified as likely neutral). The variant was identified in control databases in 87 of 267418 chromosomes at a frequency of 0.0003 (Genome Aggregation Database Feb 27, 2017). It was observed in the following populations: African in 2 of 23172 chromosomes (freq: 0.0001), Other in 3 of 6348 chromosomes (freq: 0.001), Latino in 16 of 34374 chromosomes (freq: 0.001), European in 35 of 123266 chromosomes (freq: 0.0003), Ashkenazi Jewish in 19 of 9998 chromosomes (freq: 0.002), East Asian in 2 of 18758 chromosomes (freq: 0.0001), Finnish in 7 of 20738 chromosomes (freq: 0.0003), and South Asian in 3 of 30764 chromosomes (freq: 0.0001). In addition we cannot be certain that data from control databases is specific to PKD1 and not from one of the six PKD1 pseudogenes. The p.Ser2850= variant is not expected to have clinical significance because it does not result in a change of amino acid and is not located in a known consensus splice site. In addition, in silico or computational prediction software programs (SpliceSiteFinder, MaxEntScan, NNSPLICE, GeneSplicer, HumanSpliceFinder) do not predict a difference in splicing. In summary, based on the above information, the clinical significance of this variant cannot be determined with certainty at this time although we would lean towards a more benign role for this variant. This variant is classified as likely benign.

NM_001009944.3(PKD1):c.8550G>A (p.Ser2850=)

Gene: PKD1 (polycystin 1, transient receptor potential channel interacting; minus strand). Cytogenetic location: 16p13.3.
Variant type: single nucleotide variant.
Coding change: c.8550G>A on transcript NM_001009944.3 (MANE Select); coding-DNA position 8550, G replaced by A.
Protein change: p.Ser2850=; no amino-acid change (serine 2850 retained).
Molecular consequence: synonymous variant.
Genome position (GRCh38, 1-based): chr16:2,103,507, C>T on the plus strand (G>A on the coding strand, the complement: PKD1 is on the minus strand). VCF-style: chr16-2103507-C-T. GRCh37 (hg19) VCF-style: chr16-2153508-C-T.
Other names: c.8550G>A, p.Ser2850= (NM_000296.4); c.8550G>A (NM_001009944.2).
Identifiers: ClinVar variation 997179 (VCV000997179.20), dbSNP rs145648167, ClinGen allele CA7830481.